The following is an entry in ClinVar:

NM_004360.5(CDH1):c.2602_2612del (p.Arg868fs)

Gene: CDH1 (cadherin 1; plus strand). Cytogenetic location: 16q22.1.
Variant type: Deletion.
Coding change: c.2602_2612del on transcript NM_004360.5 (MANE Select); coding-DNA positions 2602 to 2612, 11 bases deleted (CGCTTCAAGAA).
Protein change: p.Arg868fs; shifts the reading frame from arginine 868.
Molecular consequence: frameshift variant.
Genome position (GRCh38, 1-based): chr16:68,833,452-68,833,462, CGCTTCAAGAA deleted. VCF-style (leftmost placement, unchanged base first): chr16-68833451-TCGCTTCAAGAA-T. GRCh37 (hg19) VCF-style: chr16-68867354-TCGCTTCAAGAA-T.
Other names: c.2602_2612del11 (NM_004360.3); c.2419_2429del, p.Arg807fs (NM_001317184.2); c.1054_1064del, p.Arg352fs (NM_001317185.2); c.637_647del, p.Arg213fs (NM_001317186.2); short protein forms R352fs, R807fs, R213fs, R868fs.
Identifiers: ClinVar variation 1511597 (VCV001511597.7), dbSNP rs2152144176, ClinGen allele CA2573152664.
Genomic context (GRCh38, chr16:68,833,451, plus strand): 5'-CCTGAACTCCTCAGAGTCAGACAAAGACCAGGACTATGACTACTTGAACGAATGGGGCAA[TCGCTTCAAGAA>T]GCTGGCTGACATGTACGGAGGCGGCGAGGACGACTAGGGGACTCGAGAGAGGCGGGCCCC-3'

ClinVar aggregate classification (germline): Uncertain significance. Review status: criteria provided, multiple submitters, no conflicts (2 of 4 stars). 2 submissions from 2 submitters: Uncertain significance (2). Last evaluated 2025-07-23.

Conditions:
Hereditary cancer-predisposing syndrome. Also called: Neoplastic Syndromes, Hereditary; Hereditary Cancer Syndrome; Tumor predisposition; Hereditary neoplastic syndrome. Identifiers: Orphanet 140162, MedGen C0027672, MeSH D009386, MONDO:0015356.
Hereditary diffuse gastric adenocarcinoma (HDGC). Also called: DIFFUSE GASTRIC AND LOBULAR BREAST CANCER SYNDROME. Identifiers: Orphanet 26106, MedGen C1708349, MONDO:0007648, OMIM 137215.

Submissions (2):

Ambry Genetics
Classification: Uncertain significance for Hereditary cancer-predisposing syndrome. Last evaluated: 2025-07-23. Review status: criteria provided, single submitter. Criteria: Ambry Variant Classification Scheme 2023. Collection method: clinical testing. Allele origin: germline.
Comment: The c.2602_2612del11 variant, located in coding exon 16 of the CDH1 gene, results from a deletion of 11 nucleotides at nucleotide positions 2602 to 2612, causing a translational frameshift with a predicted alternate stop codon (p.R868Afs*3). This alteration occurs at the 3' terminus of theCDH1 gene, is not expected to trigger nonsense-mediated mRNAdecay, and impacts the last 1.8% of the protein. The exact functional effect of this alteration is unknown. Based on the available evidence, the clinical significance of this variant remains unclear.

Labcorp Genetics (formerly Invitae), Labcorp
Classification: Uncertain significance for Hereditary diffuse gastric adenocarcinoma. Last evaluated: 2024-12-16. Review status: criteria provided, single submitter. Criteria: Invitae Variant Classification Sherloc (09022015). Collection method: clinical testing. Allele origin: germline.
Comment: This sequence change creates a premature translational stop signal (p.Arg868Alafs*3) in the CDH1 gene. While this is not anticipated to result in nonsense mediated decay, it is expected to disrupt the last 15 amino acid(s) of the CDH1 protein. This variant is not present in population databases (gnomAD no frequency). This variant has not been reported in the literature in individuals affected with CDH1-related conditions. ClinVar contains an entry for this variant (Variation ID: 1511597). Experimental studies and prediction algorithms are not available or were not evaluated, and the functional significance of this variant is currently unknown. In summary, the available evidence is currently insufficient to determine the role of this variant in disease. Therefore, it has been classified as a Variant of Uncertain Significance.